The following is an entry in ClinVar:

ClinVar aggregate classification (germline): Uncertain significance (1 of 4 stars; one submission).

Submission:

GeneDx
Classification: Uncertain significance. Last evaluated: 2022-11-21. Review status: criteria provided, single submitter. Criteria: GeneDx Variant Classification Process June 2021. Collection method: clinical testing. Allele origin: germline. Affected: yes.
Comment: Not observed at significant frequency in large population cohorts (gnomAD); In silico analysis supports that this missense variant has a deleterious effect on protein structure/function; Has not been previously published as pathogenic or benign to our knowledge

NM_001356.5(DDX3X):c.280G>A (p.Gly94Arg)

Gene: DDX3X (DEAD-box helicase 3 X-linked; plus strand). Cytogenetic location: Xp11.4.
Variant type: single nucleotide variant.
Coding change: c.280G>A on transcript NM_001356.5 (MANE Select); coding-DNA position 280, G replaced by A.
Protein change: p.Gly94Arg; replaces glycine 94 with arginine.
Molecular consequence: missense variant. On other transcripts: 5 prime UTR variant (1), non-coding transcript variant (1).
Genome position (GRCh38, 1-based): chrX:41,341,612, G>A. VCF-style: chrX-41341612-G-A. GRCh37 (hg19) VCF-style: chrX-41200865-G-A.
Other names: c.280G>A, p.Gly94Arg (NM_001193416.3); c.232G>A, p.Gly78Arg (NM_001193417.3); c.-279G>A (NM_001363819.1); short protein forms G78R, G94R.
Identifiers: ClinVar variation 2502549 (VCV002502549.1), dbSNP rs2519505709, ClinGen allele CA412765324.
Genomic context (GRCh38, chrX:41,341,612, plus strand): 5'-TCTCGTAGTGATTCAAGAGGGAAGTCTAGCTTCTTCAGTGATCGTGGAAGTGGATCAAGG[G>A]GAAGGTAAGTGATTTCTTAATCACCTTACGTGTATGTATAATAACAGTTTAATAAGTCGT-3'
Protein context (NP_001347.3, residues 84-104): FFSDRGSGSR[Gly94Arg]RFDDRGRSDY